The following is an entry in ClinVar:

ClinVar aggregate classification (germline): Benign (0 of 4 stars; one submission).

Conditions:
MUC16-related disorder. Also called: MUC16-related condition.

Submission:

PreventionGenetics, part of Exact Sciences
Classification: Benign for MUC16-related condition. Last evaluated: 2019-02-18. Review status: no assertion criteria provided. Collection method: clinical testing. Allele origin: germline.
Comment: This variant is classified as benign based on ACMG/AMP sequence variant interpretation guidelines (Richards et al. 2015 PMID: 25741868, with internal and published modifications).

NM_001401501.2(MUC16):c.43429G>A (p.Val14477Met)

Gene: MUC16 (mucin 16, cell surface associated; minus strand). Cytogenetic location: 19p13.2.
Variant type: single nucleotide variant.
Coding change: c.43429G>A on transcript NM_001401501.2 (MANE Select); coding-DNA position 43429, G replaced by A.
Protein change: p.Val14477Met; replaces valine 14477 with methionine.
Molecular consequence: missense variant.
Genome position (GRCh38, 1-based): chr19:8,886,843, C>T on the plus strand (G>A on the coding strand, the complement: MUC16 is on the minus strand). VCF-style: chr19-8886843-C-T. GRCh37 (hg19) VCF-style: chr19-8997519-C-T.
Other names: c.43855G>A, p.Val14619Met (NM_001414686.1); c.43309G>A, p.Val14437Met (NM_001414687.1); c.40903G>A, p.Val13635Met (NM_024690.2); short protein forms V13635M, V14437M, V14477M, V14619M.
Identifiers: ClinVar variation 3056844 (VCV003056844.2), dbSNP rs1296815424, ClinGen allele CA403795564.